The following is an entry in ClinVar:

NM_170606.3(KMT2C):c.1299+56C>A

Gene: KMT2C (lysine methyltransferase 2C; minus strand). Cytogenetic location: 7q36.1.
Variant type: single nucleotide variant.
Coding change: c.1299+56C>A on transcript NM_170606.3 (MANE Select); 56 bases into the intron after coding-DNA position 1299, C replaced by A.
Molecular consequence: intron variant.
Genome position (GRCh38, 1-based): chr7:152,262,960, G>T on the plus strand (C>A on the coding strand, the complement: KMT2C is on the minus strand). VCF-style: chr7-152262960-G-T. GRCh37 (hg19) VCF-style: chr7-151960045-G-T.
Identifiers: ClinVar variation 3389492 (VCV003389492.14).

ClinVar aggregate classification (germline): Likely benign (1 of 4 stars; one submission).

gnomAD v4.1: 92 of 1,294,674 alleles (0.0071%); highest among the groups gnomAD compares: Non-Finnish European, 0.0092%; no homozygotes.

Submission:

CeGaT Center for Human Genetics Tuebingen
Classification: Likely benign. Last evaluated: 2024-10-01. Review status: criteria provided, single submitter. Criteria: CeGaT Center For Human Genetics Tuebingen Variant Classification Criteria Version 2. Collection method: clinical testing. Allele origin: germline. Affected: yes. Observed: 1 variant allele.
Comment: KMT2C: BS2